The following is an entry in ClinVar:

ClinVar aggregate classification (germline): Uncertain significance (1 of 4 stars; one submission).

Submission:

Ambry Genetics
Classification: Uncertain significance. Last evaluated: 2025-06-14. Review status: criteria provided, single submitter. Criteria: Ambry Variant Classification Scheme 2023. Collection method: clinical testing. Allele origin: germline.
Comment: The p.Q564K variant (also known as c.1690C>A), located in coding exon 12 of the RINT1 gene, results from a C to A substitution at nucleotide position 1690. The glutamine at codon 564 is replaced by lysine, an amino acid with similar properties. This amino acid position is conserved. In addition, this alteration is predicted to be tolerated by in silico analysis. Based on the available evidence, the clinical significance of this variant remains unclear.

NM_021930.6(RINT1):c.1690C>A (p.Gln564Lys)

Gene: RINT1 (RAD50 interactor 1; plus strand). Cytogenetic location: 7q22.3.
Variant type: single nucleotide variant.
Coding change: c.1690C>A on transcript NM_021930.6 (MANE Select); coding-DNA position 1690, C replaced by A.
Protein change: p.Gln564Lys; replaces glutamine 564 with lysine.
Molecular consequence: missense variant. On other transcripts: non-coding transcript variant (1).
Genome position (GRCh38, 1-based): chr7:105,563,751, C>A. VCF-style: chr7-105563751-C-A. GRCh37 (hg19) VCF-style: chr7-105204198-C-A.
Other names: c.1456C>A, p.Gln486Lys (NM_001346599.2); c.667C>A, p.Gln223Lys (NM_001346600.2, NM_001346603.2); c.766C>A, p.Gln256Lys (NM_001346601.2); short protein forms Q256K, Q486K, Q223K, Q564K.
Identifiers: ClinVar variation 3946017 (VCV003946017.1).